The following is an entry in ClinVar:

ClinVar aggregate classification (germline): Likely benign. Review status: criteria provided, single submitter (1 of 4 stars). 2 submissions from 2 submitters: Likely benign (1). 1 of the submissions does not count toward it. Last evaluated 2025-04-21.

Conditions:
Short-rib thoracic dysplasia 8 with or without polydactyly (SRTD8). Also called: SHORT-RIB THORACIC DYSPLASIA 8 WITH POLYDACTYLY. Identifiers: Orphanet 93271, MedGen C3809691, MONDO:0014214, OMIM 615503.
DYNC2I1-related disorder. Also called: DYNC2I1-related condition.

Allele frequency attached by ClinVar (database versions not stated): ExAC 0.00001; gnomAD 0.00001; TOPMed 0.00004.
gnomAD v4.1: 7 of 1,612,984 alleles (0.00043%); highest among the groups gnomAD compares: Admixed American, 0.0067%; no homozygotes.

Submissions (2):

Labcorp Genetics (formerly Invitae), Labcorp
Classification: Likely benign for Short-rib thoracic dysplasia 8 with or without polydactyly. Last evaluated: 2025-04-21. Review status: criteria provided, single submitter. Criteria: Invitae Variant Classification Sherloc (09022015). Collection method: clinical testing. Allele origin: germline.

PreventionGenetics, part of Exact Sciences
Classification: Likely benign for DYNC2I1-related condition. Last evaluated: 2020-04-20. Review status: no assertion criteria provided. Collection method: clinical testing. Allele origin: germline. Not counted in ClinVar's aggregate classification.
Comment: This variant is classified as likely benign based on ACMG/AMP sequence variant interpretation guidelines (Richards et al. 2015 PMID: 25741868, with internal and published modifications).

NM_018051.5(DYNC2I1):c.935+9T>C

Gene: DYNC2I1 (dynein 2 intermediate chain 1; plus strand). Cytogenetic location: 7q36.3.
Variant type: single nucleotide variant.
Coding change: c.935+9T>C on transcript NM_018051.5 (MANE Select); 9 bases into the intron after coding-DNA position 935, T replaced by C.
Molecular consequence: intron variant.
Genome position (GRCh38, 1-based): chr7:158,884,628, T>C. VCF-style: chr7-158884628-T-C. GRCh37 (hg19) VCF-style: chr7-158677319-T-C.
Other names: c.797+9T>C (NM_001350914.2); c.-551+9T>C (NM_001350918.2); c.-432+9T>C (NM_001350917.2); c.-424+9T>C (NM_001350916.2); c.363-2393T>C (NM_001350915.2).
Identifiers: ClinVar variation 3054181 (VCV003054181.4), dbSNP rs757573758, ClinGen allele CA4594444.